The following is an entry in ClinVar:

ClinVar aggregate classification (germline): Uncertain significance (1 of 4 stars; one submission).

Allele frequency attached by ClinVar (database versions not stated): gnomAD exomes below 0.00001; TOPMed below 0.00001.
gnomAD v4.1: 1 of 1,613,218 alleles (0.000062%); highest among the groups gnomAD compares: Non-Finnish European, 0.000085%; no homozygotes.

Submission:

Labcorp Genetics (formerly Invitae), Labcorp
Classification: Uncertain significance. Last evaluated: 2023-10-03. Review status: criteria provided, single submitter. Criteria: Invitae Variant Classification Sherloc (09022015). Collection method: clinical testing. Allele origin: germline.
Comment: This sequence change replaces arginine, which is basic and polar, with histidine, which is basic and polar, at codon 185 of the RAB11A protein (p.Arg185His). This variant is not present in population databases (gnomAD no frequency). This variant has not been reported in the literature in individuals affected with RAB11A-related conditions. An algorithm developed to predict the effect of missense changes on protein structure and function (PolyPhen-2) suggests that this variant is likely to be tolerated. In summary, the available evidence is currently insufficient to determine the role of this variant in disease. Therefore, it has been classified as a Variant of Uncertain Significance.

NM_004663.5(RAB11A):c.554G>A (p.Arg185His)

Gene: RAB11A (RAB11A, member RAS oncogene family; plus strand). Cytogenetic location: 15q22.31.
Variant type: single nucleotide variant.
Coding change: c.554G>A on transcript NM_004663.5 (MANE Select); coding-DNA position 554, G replaced by A.
Protein change: p.Arg185His; replaces arginine 185 with histidine.
Molecular consequence: missense variant. On other transcripts: synonymous variant (1).
Genome position (GRCh38, 1-based): chr15:65,887,743, G>A. VCF-style: chr15-65887743-G-A. GRCh37 (hg19) VCF-style: chr15-66180081-G-A.
Other names: c.459G>A, p.Thr153= (NM_001206836.2); short protein forms R185H.
Identifiers: ClinVar variation 2990804 (VCV002990804.3), dbSNP rs2078263618, ClinGen allele CA392925026.